The following is an entry in ClinVar:

ClinVar aggregate classification (germline): Pathogenic (1 of 4 stars; one submission).

Submission:

Labcorp Genetics (formerly Invitae), Labcorp
Classification: Pathogenic. Last evaluated: 2023-11-21. Review status: criteria provided, single submitter. Criteria: Invitae Variant Classification Sherloc (09022015). Collection method: clinical testing. Allele origin: germline.
Comment: This sequence change creates a premature translational stop signal (p.Thr240Profs*3) in the CEP63 gene. It is expected to result in an absent or disrupted protein product. Loss-of-function variants in CEP63 are known to be pathogenic (PMID: 21983783, 23936128, 26158450). This variant is present in population databases (no rsID available, gnomAD 0.01%). This variant has not been reported in the literature in individuals affected with CEP63-related conditions. For these reasons, this variant has been classified as Pathogenic.

Literature cited by the submitters: PubMed 21983783; PubMed 23936128; PubMed 26158450.

NM_001353108.3(CEP63):c.718del (p.Thr240fs)

Gene: CEP63 (centrosomal protein 63; plus strand). Cytogenetic location: 3q22.2.
Variant type: Deletion.
Coding change: c.718del on transcript NM_001353108.3 (MANE Select); coding-DNA position 718, one base deleted (A; older notation c.718delA).
Protein change: p.Thr240fs; shifts the reading frame from threonine 240.
Molecular consequence: frameshift variant. On other transcripts: non-coding transcript variant (4).
Genome position (GRCh38, 1-based): chr3:134,545,748, A deleted; the last of 2 consecutive A bases (chr3:134,545,747-134,545,748); deleting either gives the same sequence. VCF-style (leftmost placement, unchanged base first): chr3-134545746-GA-G. GRCh37 (hg19) VCF-style: chr3-134264588-GA-G.
Other names: c.718del, p.Thr240fs (NM_001042383.2, NM_001042384.2, NM_001042400.3 and 13 more transcripts); c.745del, p.Thr249fs (NM_001353118.1); c.634del, p.Thr212fs (NM_001353125.2); c.355del, p.Thr119fs (NM_001353126.2); short protein forms T212fs, T240fs, T249fs, T119fs.
Identifiers: ClinVar variation 2879456 (VCV002879456.3), dbSNP rs1378870937, ClinGen allele CA546891448.